The following is an entry in ClinVar:

ClinVar aggregate classification (germline): Likely benign. Review status: criteria provided, multiple submitters, no conflicts (2 of 4 stars). 2 submissions from 2 submitters: Likely benign (2). Last evaluated 2018-01-12.

Conditions:
Mannose-binding lectin deficiency. Also called: LECTIN COMPLEMENT ACTIVATION PATHWAY, DEFECT IN, 1; MBP DEFICIENCY; MBL DEFICIENCY; MBL2 DEFICIENCY; Chronic infections, due to MBL deficiency. Identifiers: MedGen C3280586, MONDO:0013714, OMIM 614372.

Allele frequency attached by ClinVar (database versions not stated): gnomAD 0.28243 and 0.28799; 1000 Genomes Project 0.27316; 1000 Genomes Project 30x 0.27936; TOPMed 0.28711.

Submissions (2):

Illumina Laboratory Services, Illumina
Classification: Likely benign for Mannose-binding lectin deficiency. Last evaluated: 2018-01-12. Review status: criteria provided, single submitter. Criteria: ICSL Variant Classification Criteria 13 December 2019. Collection method: clinical testing. Allele origin: germline.
Comment: This variant was observed in the ICSL laboratory as part of a predisposition screen in an ostensibly healthy population. It had not been previously curated by ICSL or reported in the Human Gene Mutation Database (HGMD: prior to June 1st, 2018), and was therefore a candidate for classification through an automated scoring system. Utilizing variant allele frequency, disease prevalence and penetrance estimates, and inheritance mode, an automated score was calculated to assess if this variant is too frequent to cause the disease. Based on the score and internal cut-off values, a variant classified as likely benign is not then subjected to further curation. The score for this variant resulted in a classification of likely benign for this disease.

Breakthrough Genomics
Classification: Likely benign. Review status: criteria provided, single submitter. Criteria: ACMG Guidelines, 2015. Collection method: not provided. Allele origin: germline. Inheritance: Autosomal dominant inheritance. Affected: yes.

NM_001378373.1(MBL2):c.*2040G>T

Gene: MBL2 (mannose binding lectin 2; minus strand). Cytogenetic location: 10q21.1.
Variant type: single nucleotide variant.
Coding change: c.*2040G>T on transcript NM_001378373.1 (MANE Select); 2040 bases downstream of the stop codon, G replaced by T.
Molecular consequence: 3 prime UTR variant.
Genome position (GRCh38, 1-based): chr10:52,766,097, C>A on the plus strand (G>T on the coding strand, the complement: MBL2 is on the minus strand). VCF-style: chr10-52766097-C-A. GRCh37 (hg19) VCF-style: chr10-54525857-C-A.
Other names: c.*2040G>T (NM_000242.3, NM_001378374.1).
Identifiers: ClinVar variation 300114 (VCV000300114.6), dbSNP rs2099903, ClinGen allele CA10635446.